The following is an entry in ClinVar:

NM_000264.5(PTCH1):c.3223G>T (p.Gly1075Ter)

Gene: PTCH1 (patched 1; minus strand). Cytogenetic location: 9q22.32.
Variant type: single nucleotide variant.
Coding change: c.3223G>T on transcript NM_000264.5 (MANE Select); coding-DNA position 3223, G replaced by T.
Protein change: p.Gly1075Ter; replaces glycine 1075 with a stop codon.
Molecular consequence: nonsense. On other transcripts: non-coding transcript variant (1).
Genome position (GRCh38, 1-based): chr9:95,456,359, C>A on the plus strand (G>T on the coding strand, the complement: PTCH1 is on the minus strand). VCF-style: chr9-95456359-C-A. GRCh37 (hg19) VCF-style: chr9-98218641-C-A.
Other names: c.3025G>T, p.Gly1009Ter (NM_001083602.3); c.3220G>T, p.Gly1074Ter (NM_001083603.3); c.2770G>T, p.Gly924Ter (NM_001083604.3, NM_001083605.3, NM_001083606.3 and 1 more transcripts); c.3067G>T, p.Gly1023Ter (NM_001354918.2); short protein forms G1023*, G1075*, G1009*, G1074*, G924*.
Identifiers: ClinVar variation 2756047 (VCV002756047.3), dbSNP rs1838926237, ClinGen allele CA374112119.
Genomic context (GRCh38, chr9:95,456,359, plus strand): 5'-CCACTCCTATGCCAACAGAAGCGATCAGGATGACCACGGGCACGGCACTGAGCTTGATTC[C>A]GATGAGGCCCATCATGCCGAACAGCTCGACCGTCATCAGCGCCAGGACCATCACCTGGAG-3'

ClinVar aggregate classification (germline): Pathogenic (1 of 4 stars; one submission).

Conditions:
Gorlin syndrome. Also called: Nevoid Basal Cell Carcinoma Syndrome; Basal cell nevus syndrome. Identifiers: Orphanet 377, MedGen C0004779, MONDO:0007187.

Submission:

Labcorp Genetics (formerly Invitae), Labcorp
Classification: Pathogenic for Gorlin syndrome. Last evaluated: 2023-06-02. Review status: criteria provided, single submitter. Criteria: Invitae Variant Classification Sherloc (09022015). Collection method: clinical testing. Allele origin: germline.
Comment: For these reasons, this variant has been classified as Pathogenic. This variant has not been reported in the literature in individuals affected with PTCH1-related conditions. This variant is not present in population databases (gnomAD no frequency). This sequence change creates a premature translational stop signal (p.Gly1075*) in the PTCH1 gene. It is expected to result in an absent or disrupted protein product. Loss-of-function variants in PTCH1 are known to be pathogenic (PMID: 16301862, 16419085).

Literature cited by the submitters: PubMed 16301862; PubMed 16419085.